The following is an entry in ClinVar:

ClinVar aggregate classification (germline): Uncertain significance (1 of 4 stars; one submission).

gnomAD v4.1: 1 of 1,614,078 alleles (0.000062%); highest among the groups gnomAD compares: African/African-American, 0.0013%; no homozygotes.

Submission:

Labcorp Genetics (formerly Invitae), Labcorp
Classification: Uncertain significance. Last evaluated: 2025-06-12. Review status: criteria provided, single submitter. Criteria: Invitae Variant Classification Sherloc (09022015). Collection method: clinical testing. Allele origin: germline.
Comment: This sequence change replaces aspartic acid, which is acidic and polar, with asparagine, which is neutral and polar, at codon 760 of the DSTYK protein (p.Asp760Asn). This variant is present in population databases (no rsID available, gnomAD 0.01%). This variant has not been reported in the literature in individuals affected with DSTYK-related conditions. ClinVar contains an entry for this variant (Variation ID: 3641387). An algorithm developed to predict the effect of missense changes on protein structure and function (PolyPhen-2) suggests that this variant is likely to be disruptive. In summary, the available evidence is currently insufficient to determine the role of this variant in disease. Therefore, it has been classified as a Variant of Uncertain Significance.

NM_015375.3(DSTYK):c.2278G>A (p.Asp760Asn)

Gene: DSTYK (dual serine/threonine and tyrosine protein kinase; minus strand). Cytogenetic location: 1q32.1.
Variant type: single nucleotide variant.
Coding change: c.2278G>A on transcript NM_015375.3 (MANE Select); coding-DNA position 2278, G replaced by A.
Protein change: p.Asp760Asn; replaces aspartic acid 760 with asparagine.
Molecular consequence: missense variant.
Genome position (GRCh38, 1-based): chr1:205,157,347, C>T on the plus strand (G>A on the coding strand, the complement: DSTYK is on the minus strand). VCF-style: chr1-205157347-C-T. GRCh37 (hg19) VCF-style: chr1-205126475-C-T.
Other names: c.2278G>A, p.Asp760Asn (NM_199462.3); short protein forms D760N.
Identifiers: ClinVar variation 3641387 (VCV003641387.2).